The following is an entry in ClinVar:

NM_000075.4(CDK4):c.98C>T (p.Ala33Val)

Gene: CDK4 (cyclin dependent kinase 4; minus strand). Cytogenetic location: 12q14.1.
Variant type: single nucleotide variant.
Coding change: c.98C>T on transcript NM_000075.4 (MANE Select); coding-DNA position 98, C replaced by T.
Protein change: p.Ala33Val; replaces alanine 33 with valine.
Molecular consequence: missense variant.
Genome position (GRCh38, 1-based): chr12:57,751,620, G>A on the plus strand (C>T on the coding strand, the complement: CDK4 is on the minus strand). VCF-style: chr12-57751620-G-A. GRCh37 (hg19) VCF-style: chr12-58145403-G-A.
Other names: short protein forms A33V.
Identifiers: ClinVar variation 2586834 (VCV002586834.4), dbSNP rs2140388501, ClinGen allele CA385548885.

ClinVar aggregate classification (germline): Uncertain significance. Review status: criteria provided, multiple submitters, no conflicts (2 of 4 stars). 2 submissions from 2 submitters: Uncertain significance (2). Last evaluated 2024-12-06.

Conditions:
Familial melanoma. Also called: Hereditary melanoma; Hereditary cutaneous melanoma. Identifiers: Orphanet 618, MedGen C1512419, MONDO:0018961.
Hereditary cancer-predisposing syndrome. Also called: Hereditary neoplastic syndrome; Tumor predisposition; Hereditary Cancer Syndrome; Neoplastic Syndromes, Hereditary. Identifiers: Orphanet 140162, MedGen C0027672, MeSH D009386, MONDO:0015356.

Allele frequency attached by ClinVar (database versions not stated): gnomAD exomes below 0.00001.
gnomAD v4.1: 1 of 1,614,090 alleles (0.000062%); highest among the groups gnomAD compares: Non-Finnish European, 0.000085%; no homozygotes.

Submissions (2):

Labcorp Genetics (formerly Invitae), Labcorp
Classification: Uncertain significance for Familial melanoma. Last evaluated: 2024-12-06. Review status: criteria provided, single submitter. Criteria: Invitae Variant Classification Sherloc (09022015). Collection method: clinical testing. Allele origin: germline.
Comment: This sequence change replaces alanine, which is neutral and non-polar, with valine, which is neutral and non-polar, at codon 33 of the CDK4 protein (p.Ala33Val). This variant is not present in population databases (gnomAD no frequency). This variant has not been reported in the literature in individuals affected with CDK4-related conditions. ClinVar contains an entry for this variant (Variation ID: 2586834). Invitae Evidence Modeling of protein sequence and biophysical properties (such as structural, functional, and spatial information, amino acid conservation, physicochemical variation, residue mobility, and thermodynamic stability) indicates that this missense variant is expected to disrupt CDK4 protein function with a positive predictive value of 95%. In summary, the available evidence is currently insufficient to determine the role of this variant in disease. Therefore, it has been classified as a Variant of Uncertain Significance.

Ambry Genetics
Classification: Uncertain significance for Hereditary cancer-predisposing syndrome. Last evaluated: 2023-06-21. Review status: criteria provided, single submitter. Criteria: Ambry Variant Classification Scheme 2023. Collection method: clinical testing. Allele origin: germline.
Comment: The p.A33V variant (also known as c.98C>T), located in coding exon 1 of the CDK4 gene, results from a C to T substitution at nucleotide position 98. The alanine at codon 33 is replaced by valine, an amino acid with similar properties. This amino acid position is conserved. In addition, this alteration is predicted to be deleterious by in silico analysis. Since supporting evidence is limited at this time, the clinical significance of this alteration remains unclear.